The following is an entry in ClinVar:

ClinVar aggregate classification (germline): Uncertain significance (1 of 4 stars; one submission).

Submission:

Labcorp Genetics (formerly Invitae), Labcorp
Classification: Uncertain significance. Last evaluated: 2022-11-08. Review status: criteria provided, single submitter. Criteria: Invitae Variant Classification Sherloc (09022015). Collection method: clinical testing. Allele origin: germline.
Comment: This sequence change replaces proline, which is neutral and non-polar, with arginine, which is basic and polar, at codon 717 of the RNF43 protein (p.Pro717Arg). This variant is not present in population databases (gnomAD no frequency). This variant has not been reported in the literature in individuals affected with RNF43-related conditions. Algorithms developed to predict the effect of missense changes on protein structure and function are either unavailable or do not agree on the potential impact of this missense change (SIFT: "Tolerated"; PolyPhen-2: "Possibly Damaging"; Align-GVGD: "Class C0"). In summary, the available evidence is currently insufficient to determine the role of this variant in disease. Therefore, it has been classified as a Variant of Uncertain Significance.

NM_017763.6(RNF43):c.2150C>G (p.Pro717Arg)

Gene: RNF43 (ring finger protein 43; minus strand). Cytogenetic location: 17q22.
Variant type: single nucleotide variant.
Coding change: c.2150C>G on transcript NM_017763.6 (MANE Select); coding-DNA position 2150, C replaced by G.
Protein change: p.Pro717Arg; replaces proline 717 with arginine.
Molecular consequence: missense variant.
Genome position (GRCh38, 1-based): chr17:58,357,626, G>C on the plus strand (C>G on the coding strand, the complement: RNF43 is on the minus strand). VCF-style: chr17-58357626-G-C. GRCh37 (hg19) VCF-style: chr17-56434987-G-C.
Other names: c.2150C>G, p.Pro717Arg (NM_001305544.3); c.1769C>G, p.Pro590Arg (NM_001305545.2); short protein forms P590R, P717R.
Identifiers: ClinVar variation 2813024 (VCV002813024.3), dbSNP rs2143388402, ClinGen allele CA400386025.